The following is an entry in ClinVar:

NM_001278512.2(AP3B2):c.288C>T (p.Tyr96=)

Genes: AP3B2 (adaptor related protein complex 3 subunit beta 2; minus strand), CPEB1-AS1 (CPEB1 antisense RNA 1; plus strand). Cytogenetic location: 15q25.2.
Variant type: single nucleotide variant.
Coding change: c.288C>T on transcript NM_001278512.2 (MANE Select); coding-DNA position 288, C replaced by T.
Protein change: p.Tyr96=; no amino-acid change (tyrosine 96 retained).
Molecular consequence: synonymous variant. On other transcripts: intron variant (1).
Genome position (GRCh38, 1-based): chr15:82,688,808, G>A on the plus strand (C>T on the coding strand, the complement: AP3B2 is on the minus strand). VCF-style: chr15-82688808-G-A. GRCh37 (hg19) VCF-style: chr15-83357560-G-A.
Other names: c.288C>T, p.Tyr96= (NM_001348440.2, NM_004644.5); c.264+350C>T (NM_001278511.2).
Identifiers: ClinVar variation 2645640 (VCV002645640.26), dbSNP rs778742367, ClinGen allele CA7700536.
Genomic context (GRCh38, chr15:82,688,808, plus strand): 5'-TTGGAAGGTGGAGATGGACAGCAGGGCCAGGTCTTGCTGCTCCTCAGCGTAGCGTACCAG[G>A]TACACATAGACAAGCTTCTTCACCTTGGGGAGAGCACGTTTCTCAGCAGAACGCTTCTCA-3'
Protein context (NP_001265441.1, residues 86-106): NIEVKKLVYV[Tyr96=]LVRYAEEQQD

ClinVar aggregate classification (germline): Likely benign. Review status: criteria provided, multiple submitters, no conflicts (2 of 4 stars). 2 submissions from 2 submitters: Likely benign (2). Last evaluated 2025-01-13.

Allele frequency attached by ClinVar (database versions not stated): TOPMed below 0.00001; gnomAD 0.00001; gnomAD exomes 0.00002; ExAC 0.00007.
gnomAD v4.1: 30 of 1,612,558 alleles (0.0019%); highest among the groups gnomAD compares: South Asian, 0.031%; no homozygotes.

Submissions (2):

Labcorp Genetics (formerly Invitae), Labcorp
Classification: Likely benign. Last evaluated: 2025-01-13. Review status: criteria provided, single submitter. Criteria: Invitae Variant Classification Sherloc (09022015). Collection method: clinical testing. Allele origin: germline.

CeGaT Center for Human Genetics Tuebingen
Classification: Likely benign. Last evaluated: 2022-07-01. Review status: criteria provided, single submitter. Criteria: CeGaT Center For Human Genetics Tuebingen Variant Classification Criteria Version 2. Collection method: clinical testing. Allele origin: germline. Affected: yes. Observed: 1 variant allele.
Comment: AP3B2: BP4, BP7